The following is an entry in ClinVar:

NM_178452.6(DNAAF1):c.361C>A (p.Arg121Ser)

Gene: DNAAF1 (dynein axonemal assembly factor 1; plus strand). Cytogenetic location: 16q24.1.
Variant type: single nucleotide variant.
Coding change: c.361C>A on transcript NM_178452.6 (MANE Select); coding-DNA position 361, C replaced by A.
Protein change: p.Arg121Ser; replaces arginine 121 with serine.
Molecular consequence: missense variant.
Genome position (GRCh38, 1-based): chr16:84,154,585, C>A. VCF-style: chr16-84154585-C-A. GRCh37 (hg19) VCF-style: chr16-84188190-C-A.
Other names: short protein forms R121S.
Identifiers: ClinVar variation 525417 (VCV000525417.9), dbSNP rs368031148, ClinGen allele CA285503751.

ClinVar aggregate classification (germline): Uncertain significance. Review status: criteria provided, multiple submitters, no conflicts (2 of 4 stars). 3 submissions from 3 submitters: Uncertain significance (3). Last evaluated 2024-11-21.

Conditions:
Primary ciliary dyskinesia. Also called: Ciliary dyskinesia. Identifiers: Orphanet 244, MedGen C0008780, MONDO:0016575, HP:0012265.

Allele frequency attached by ClinVar (database versions not stated): TOPMed 0.00004; ESP Exome Variant Server 0.00008; 1000 Genomes Project 30x 0.00016.
gnomAD v4.1: 9 of 1,613,934 alleles (0.00056%); highest among the groups gnomAD compares: African/African-American, 0.0067%; no homozygotes.

Submissions (3):

Ambry Genetics
Classification: Uncertain significance for Primary ciliary dyskinesia. Last evaluated: 2024-11-21. Review status: criteria provided, single submitter. Criteria: Ambry Variant Classification Scheme 2023. Collection method: clinical testing. Allele origin: germline.

Blueprint Genetics
Classification: Uncertain significance. Last evaluated: 2020-10-02. Review status: criteria provided, single submitter. Criteria: ACMG Guidelines, 2015. Collection method: clinical testing. Allele origin: germline.

Labcorp Genetics (formerly Invitae), Labcorp
Classification: Uncertain significance for Primary ciliary dyskinesia. Last evaluated: 2017-12-04. Review status: criteria provided, single submitter. Criteria: Invitae Variant Classification Sherloc (09022015). Collection method: clinical testing. Allele origin: germline.
Comment: Algorithms developed to predict the effect of missense changes on protein structure and function (SIFT, PolyPhen-2, Align-GVGD) all suggest that this variant is likely to be tolerated, but these predictions have not been confirmed by published functional studies and their clinical significance is uncertain. In summary, the available evidence is currently insufficient to determine the role of this variant in disease. Therefore, it has been classified as a Variant of Uncertain Significance. This variant has not been reported in the literature in individuals with DNAAF1-related disease. This variant is not present in population databases (ExAC no frequency). This sequence change replaces arginine with serine at codon 121 of the DNAAF1 protein (p.Arg121Ser). The arginine residue is moderately conserved and there is a moderate physicochemical difference between arginine and serine.